The following is an entry in ClinVar:

NM_024642.5(GALNT12):c.871C>T (p.Pro291Ser)

Gene: GALNT12 (polypeptide N-acetylgalactosaminyltransferase 12; plus strand). Cytogenetic location: 9q22.33.
Variant type: single nucleotide variant.
Coding change: c.871C>T on transcript NM_024642.5 (MANE Select); coding-DNA position 871, C replaced by T.
Protein change: p.Pro291Ser; replaces proline 291 with serine.
Molecular consequence: missense variant.
Genome position (GRCh38, 1-based): chr9:98,831,911, C>T. VCF-style: chr9-98831911-C-T. GRCh37 (hg19) VCF-style: chr9-101594193-C-T.
Other names: c.871C>T (NM_024642.4); short protein forms P291S.
Identifiers: ClinVar variation 3711605 (VCV003711605.3).
Genomic context (GRCh38, chr9:98,831,911, plus strand): 5'-TCCGGGGAGCCCCAGATCGGCGGTTTCGACTGGAGGCTGGTGTTCACGTGGCACACAGTT[C>T]CTGAGAGGGAGAGGATACGGATGCAATCCCCCGTCGATGTCATCAGGTCAGGAGCTGACT-3'
Protein context (NP_078918.3, residues 281-301): WRLVFTWHTV[Pro291Ser]ERERIRMQSP

ClinVar aggregate classification (germline): Uncertain significance. Review status: criteria provided, multiple submitters, no conflicts (2 of 4 stars). 2 submissions from 2 submitters: Uncertain significance (2). Last evaluated 2026-05-24.

Submissions (2):

Ambry Genetics
Classification: Uncertain significance. Last evaluated: 2026-05-24. Review status: criteria provided, single submitter. Criteria: Ambry Variant Classification Scheme 2023. Collection method: clinical testing. Allele origin: germline.
Comment: The p.P291S variant (also known as c.871C>T), located in coding exon 4 of the GALNT12 gene, results from a C to T substitution at nucleotide position 871. The proline at codon 291 is replaced by serine, an amino acid with similar properties. This amino acid position is conserved. In addition, this alteration is predicted to be deleterious by in silico analysis. Based on the available evidence, the clinical significance of this variant remains unclear.

Labcorp Genetics (formerly Invitae), Labcorp
Classification: Uncertain significance. Last evaluated: 2024-05-05. Review status: criteria provided, single submitter. Criteria: Invitae Variant Classification Sherloc (09022015). Collection method: clinical testing. Allele origin: germline.
Comment: This sequence change replaces proline, which is neutral and non-polar, with serine, which is neutral and polar, at codon 291 of the GALNT12 protein (p.Pro291Ser). This variant is present in population databases (rs772804071, gnomAD 0.003%). This variant has not been reported in the literature in individuals affected with GALNT12-related conditions. Advanced modeling of protein sequence and biophysical properties (such as structural, functional, and spatial information, amino acid conservation, physicochemical variation, residue mobility, and thermodynamic stability) performed at Invitae indicates that this missense variant is not expected to disrupt GALNT12 protein function with a negative predictive value of 80%. In summary, the available evidence is currently insufficient to determine the role of this variant in disease. Therefore, it has been classified as a Variant of Uncertain Significance.